The following is an entry in ClinVar:

NM_000179.3(MSH6):c.2199_2200del (p.Met733fs)

Gene: MSH6 (mutS homolog 6; plus strand). Cytogenetic location: 2p16.3.
Variant type: Deletion.
Coding change: c.2199_2200del on transcript NM_000179.3 (MANE Select); coding-DNA positions 2199 to 2200, 2 bases deleted (GG; older notation c.2199_2200delGG).
Protein change: p.Met733fs; shifts the reading frame from methionine 733.
Molecular consequence: frameshift variant. On other transcripts: non-coding transcript variant (5), intron variant (2).
Genome position (GRCh38, 1-based): chr2:47,800,182-47,800,183, GG deleted. VCF-style (leftmost placement, unchanged base first): chr2-47800181-TGG-T. GRCh37 (hg19) VCF-style: chr2-48027320-TGG-T.
Other names: c.1293_1294del, p.Met431fs (NM_001281494.2, NM_001406811.1, NM_001406812.1 and 6 more transcripts); c.2295_2296del, p.Met765fs (NM_001406795.1, NM_001406802.1); c.2199_2200del, p.Met733fs (NM_001406796.1, NM_001406798.1, NM_001406800.1 and 3 more transcripts); c.1902_1903del, p.Met634fs (NM_001406797.1, NM_001406801.1, NM_001406805.1 and 10 more transcripts); c.1674_1675del, p.Met558fs (NM_001406799.1, NM_001406806.1, NM_001406807.1); c.2121_2122del, p.Met707fs (NM_001406804.1); c.2205_2206del, p.Met735fs (NM_001406813.1); c.2031_2032del, p.Met677fs (NM_001406826.1); and 3 more; short protein forms M431fs, M558fs, M603fs, M634fs, M677fs, M707fs, M733fs, M735fs.
Identifiers: ClinVar variation 2673656 (VCV002673656.1), dbSNP rs1240259274, ClinGen allele CA532705471.
Genomic context (GRCh38, chr2:47,800,181, plus strand): 5'-ATTCTGACACAGTCAGCACTACAAGATCTGGTGCTATCTTCACCAAAGCCTATCAACGAA[TGG>T]TGCTAGATGCAGTGACATTAAACAACTTGGAGATTTTTCTGAATGGAACAAATGGTTCTA-3'

ClinVar aggregate classification (germline): Pathogenic (1 of 4 stars; one submission).

Conditions:
Lynch syndrome 5 (LYNCH5). Also called: Colorectal cancer, hereditary nonpolyposis, type 5; Hereditary non-polyposis colorectal cancer, type 5. Identifiers: Orphanet 144, MedGen C1833477, MONDO:0013710, OMIM 614350. Disease mechanism: loss of function.

Submission:

Myriad Genetics, Inc.
Classification: Pathogenic for Lynch syndrome 5. Last evaluated: 2023-08-16. Review status: criteria provided, single submitter. Criteria: Myriad Autosomal Dominant, Autosomal Recessive and X-Linked Classification Criteria (2023). Collection method: clinical testing. Allele origin: unknown.
Comment: This variant is considered pathogenic. This variant creates a frameshift predicted to result in premature protein truncation.